The following is an entry in ClinVar:

NM_006245.4(PPP2R5D):c.976G>A (p.Val326Ile)

Gene: PPP2R5D (protein phosphatase 2 regulatory subunit B'delta; plus strand). Cytogenetic location: 6p21.1.
Variant type: single nucleotide variant.
Coding change: c.976G>A on transcript NM_006245.4 (MANE Select); coding-DNA position 976, G replaced by A.
Protein change: p.Val326Ile; replaces valine 326 with isoleucine.
Molecular consequence: missense variant.
Genome position (GRCh38, 1-based): chr6:43,008,425, G>A. VCF-style: chr6-43008425-G-A. GRCh37 (hg19) VCF-style: chr6-42976163-G-A.
Other names: c.523G>A, p.Val175Ile (NM_001270476.2); c.880G>A, p.Val294Ile (NM_180976.3); c.658G>A, p.Val220Ile (NM_180977.3); short protein forms V175I, V220I, V326I, V294I.
Identifiers: ClinVar variation 1997715 (VCV001997715.4), dbSNP rs2532481341, ClinGen allele CA364191930.
Genomic context (GRCh38, chr6:43,008,425, plus strand): 5'-AGCATCATCAATGGCTTTGCCCTGCCCCTTAAAGAAGAGCACAAGATGTTCCTCATCCGT[G>A]TCCTACTTCCCCTTCACAAGGTCAAGTCCCTGAGTGTCTACCACCCTCAGGTGAGCTGCC-3'
Protein context (NP_006236.1, residues 316-336): KEEHKMFLIR[Val326Ile]LLPLHKVKSL

ClinVar aggregate classification (germline): Uncertain significance (1 of 4 stars; one submission).

Submission:

Labcorp Genetics (formerly Invitae), Labcorp
Classification: Uncertain significance. Last evaluated: 2022-08-23. Review status: criteria provided, single submitter. Criteria: Invitae Variant Classification Sherloc (09022015). Collection method: clinical testing. Allele origin: germline.
Comment: This sequence change replaces valine, which is neutral and non-polar, with isoleucine, which is neutral and non-polar, at codon 326 of the PPP2R5D protein (p.Val326Ile). This variant is not present in population databases (gnomAD no frequency). This variant has not been reported in the literature in individuals affected with PPP2R5D-related conditions. Algorithms developed to predict the effect of missense changes on protein structure and function are either unavailable or do not agree on the potential impact of this missense change (SIFT: "Tolerated"; PolyPhen-2: "Possibly Damaging"; Align-GVGD: "Class C0"). In summary, the available evidence is currently insufficient to determine the role of this variant in disease. Therefore, it has been classified as a Variant of Uncertain Significance.